The following is an entry in ClinVar:

ClinVar aggregate classification (germline): Uncertain significance (1 of 4 stars; one submission).

Conditions:
Hyperkalemic periodic paralysis. Also called: Familial hyperkalemic periodic paralysis; Gamstorp disease. Identifiers: Orphanet 682, MedGen C0238357, MONDO:0008224, OMIM 170500, HP:0007215.

Submission:

Labcorp Genetics (formerly Invitae), Labcorp
Classification: Uncertain significance for Hyperkalemic periodic paralysis. Last evaluated: 2024-04-06. Review status: criteria provided, single submitter. Criteria: Invitae Variant Classification Sherloc (09022015). Collection method: clinical testing. Allele origin: germline.
Comment: This sequence change replaces methionine, which is neutral and non-polar, with arginine, which is basic and polar, at codon 1213 of the SCN4A protein (p.Met1213Arg). This variant is present in population databases (no rsID available, gnomAD 0.003%). This variant has not been reported in the literature in individuals affected with SCN4A-related conditions. Advanced modeling of protein sequence and biophysical properties (such as structural, functional, and spatial information, amino acid conservation, physicochemical variation, residue mobility, and thermodynamic stability) has been performed at Invitae for this missense variant, however the output from this modeling did not meet the statistical confidence thresholds required to predict the impact of this variant on SCN4A protein function. In summary, the available evidence is currently insufficient to determine the role of this variant in disease. Therefore, it has been classified as a Variant of Uncertain Significance.

NM_000334.4(SCN4A):c.3638T>G (p.Met1213Arg)

Genes: GH-LCR (growth hormone locus control region; plus strand), SCN4A (sodium voltage-gated channel alpha subunit 4; minus strand). Cytogenetic location: 17q23.3.
Variant type: single nucleotide variant.
Coding change: c.3638T>G on transcript NM_000334.4 (MANE Select); coding-DNA position 3638, T replaced by G.
Protein change: p.Met1213Arg; replaces methionine 1213 with arginine.
Molecular consequence: missense variant.
Genome position (GRCh38, 1-based): chr17:63,945,442, A>C on the plus strand (T>G on the coding strand, the complement: SCN4A is on the minus strand). VCF-style: chr17-63945442-A-C. GRCh37 (hg19) VCF-style: chr17-62022802-A-C.
Other names: short protein forms M1213R.
Identifiers: ClinVar variation 2793759 (VCV002793759.3), dbSNP rs759305208, ClinGen allele CA400617853.